The following is an entry in ClinVar:

NM_001243133.2(NLRP3):c.509G>A (p.Arg170His)

Gene: NLRP3 (NLR family pyrin domain containing 3; plus strand). Cytogenetic location: 1q44.
Variant type: single nucleotide variant.
Coding change: c.509G>A on transcript NM_001243133.2 (MANE Select); coding-DNA position 509, G replaced by A.
Protein change: p.Arg170His; replaces arginine 170 with histidine.
Molecular consequence: missense variant.
Genome position (GRCh38, 1-based): chr1:247,423,958, G>A. VCF-style: chr1-247423958-G-A. GRCh37 (hg19) VCF-style: chr1-247587260-G-A.
Other names: c.509G>A, p.Arg170His (NM_001079821.3, NM_001127461.3, NM_001127462.3 and 1 more transcripts); c.515G>A, p.Arg172His (NM_004895.5); short protein forms R172H, R170H.
Identifiers: ClinVar variation 3720296 (VCV003720296.2).

ClinVar aggregate classification (germline): Uncertain significance (1 of 4 stars; one submission).

Conditions:
Cryopyrin associated periodic syndrome (CAPS). Identifiers: Orphanet 208650, MedGen C2316212, MONDO:0016168.

gnomAD v4.1: 3 of 1,613,982 alleles (0.00019%); highest among the groups gnomAD compares: Non-Finnish European, 0.00025%; no homozygotes.

Submission:

Labcorp Genetics (formerly Invitae), Labcorp
Classification: Uncertain significance for Cryopyrin associated periodic syndrome. Last evaluated: 2025-01-01. Review status: criteria provided, single submitter. Criteria: Invitae Variant Classification Sherloc (09022015). Collection method: clinical testing. Allele origin: germline.
Comment: This sequence change replaces arginine, which is basic and polar, with histidine, which is basic and polar, at codon 172 of the NLRP3 protein (p.Arg172His). The frequency data for this variant in the population databases is considered unreliable, as metrics indicate poor data quality at this position in the gnomAD database. This missense change has been observed in individual(s) with NLRP3-related conditions (PMID: 24708999). This variant is also known as c.509G>A (p.R170H). Invitae Evidence Modeling of protein sequence and biophysical properties (such as structural, functional, and spatial information, amino acid conservation, physicochemical variation, residue mobility, and thermodynamic stability) indicates that this missense variant is not expected to disrupt NLRP3 protein function with a negative predictive value of 95%. In summary, the available evidence is currently insufficient to determine the role of this variant in disease. Therefore, it has been classified as a Variant of Uncertain Significance.

Literature cited by the submitters: PubMed 24708999.